The following is an entry in ClinVar:

NM_032776.3(JMJD1C):c.4150G>A (p.Val1384Ile)

Gene: JMJD1C (jumonji domain containing 1C; minus strand). Cytogenetic location: 10q21.3.
Variant type: single nucleotide variant.
Coding change: c.4150G>A on transcript NM_032776.3 (MANE Select); coding-DNA position 4150, G replaced by A.
Protein change: p.Val1384Ile; replaces valine 1384 with isoleucine.
Molecular consequence: missense variant. On other transcripts: non-coding transcript variant (1).
Genome position (GRCh38, 1-based): chr10:63,207,519, C>T on the plus strand (G>A on the coding strand, the complement: JMJD1C is on the minus strand). VCF-style: chr10-63207519-C-T. GRCh37 (hg19) VCF-style: chr10-64967279-C-T.
Other names: c.3604G>A, p.Val1202Ile (NM_001282948.2, NM_001318154.2); c.3286G>A, p.Val1096Ile (NM_001318153.2); c.4036G>A, p.Val1346Ile (NM_001322252.2); c.3493G>A, p.Val1165Ile (NM_001322254.2, NM_001322258.2); short protein forms V1096I, V1165I, V1384I, V1202I, V1346I.
Identifiers: ClinVar variation 840506 (VCV000840506.9), dbSNP rs754115401, ClinGen allele CA5518318.

ClinVar aggregate classification (germline): Uncertain significance (1 of 4 stars; one submission).

Conditions:
Early Myoclonic Encephalopathy. Identifiers: MedGen C0270855.

Allele frequency attached by ClinVar (database versions not stated): ExAC 0.00001; TOPMed 0.00001; gnomAD 0.00001.
gnomAD v4.1: 11 of 1,614,064 alleles (0.00068%); highest among the groups gnomAD compares: Admixed American, 0.013%; no homozygotes.

Submission:

Labcorp Genetics (formerly Invitae), Labcorp
Classification: Uncertain significance for Early Myoclonic Encephalopathy. Last evaluated: 2025-03-30. Review status: criteria provided, single submitter. Criteria: Invitae Variant Classification Sherloc (09022015). Collection method: clinical testing. Allele origin: germline.
Comment: This sequence change replaces valine, which is neutral and non-polar, with isoleucine, which is neutral and non-polar, at codon 1384 of the JMJD1C protein (p.Val1384Ile). This variant is present in population databases (rs754115401, gnomAD 0.02%). This variant has not been reported in the literature in individuals affected with JMJD1C-related conditions. ClinVar contains an entry for this variant (Variation ID: 840506). Invitae Evidence Modeling of protein sequence and biophysical properties (such as structural, functional, and spatial information, amino acid conservation, physicochemical variation, residue mobility, and thermodynamic stability) indicates that this missense variant is not expected to disrupt JMJD1C protein function with a negative predictive value of 80%. In summary, the available evidence is currently insufficient to determine the role of this variant in disease. Therefore, it has been classified as a Variant of Uncertain Significance.